The following is an entry in ClinVar:

NM_172107.4(KCNQ2):c.514+1G>A

Gene: KCNQ2 (potassium voltage-gated channel subfamily Q member 2; minus strand). Cytogenetic location: 20q13.33.
Variant type: single nucleotide variant.
Coding change: c.514+1G>A on transcript NM_172107.4 (MANE Select); the canonical splice donor site of the intron after coding-DNA position 514, G replaced by A.
Molecular consequence: splice donor variant.
Genome position (GRCh38, 1-based): chr20:63,445,237, C>T on the plus strand (G>A on the coding strand, the complement: KCNQ2 is on the minus strand). VCF-style: chr20-63445237-C-T. GRCh37 (hg19) VCF-style: chr20-62076590-C-T.
Other names: c.514+1G>A (NM_004518.6, NM_172108.5, NM_172106.3 and 2 more transcripts).
Identifiers: ClinVar variation 1067057 (VCV001067057.9), dbSNP rs2145778708, ClinGen allele CA409655041.

ClinVar aggregate classification (germline): Likely pathogenic (1 of 4 stars; one submission).

Conditions:
Early-infantile DEE. Also called: Ohtahara syndrome; Early infantile epileptic encephalopathy with suppression bursts; Early infantile epileptic encephalopathy. Identifiers: Orphanet 1934, MedGen C0393706, MONDO:0800491.

Submission:

Labcorp Genetics (formerly Invitae), Labcorp
Classification: Likely pathogenic for Early-infantile DEE. Last evaluated: 2025-02-12. Review status: criteria provided, single submitter. Criteria: Invitae Variant Classification Sherloc (09022015). Collection method: clinical testing. Allele origin: germline.
Comment: This sequence change affects a donor splice site in intron 3 of the KCNQ2 gene. It is expected to disrupt RNA splicing. Variants that disrupt the donor or acceptor splice site typically lead to a loss of protein function (PMID: 16199547), and loss-of-function variants in KCNQ2 are known to be pathogenic (PMID: 14534157, 23692823, 27779742). This variant is not present in population databases (gnomAD no frequency). This variant has not been reported in the literature in individuals affected with KCNQ2-related conditions. ClinVar contains an entry for this variant (Variation ID: 1067057). Algorithms developed to predict the effect of sequence changes on RNA splicing suggest that this variant may disrupt the consensus splice site. In summary, the currently available evidence indicates that the variant is pathogenic, but additional data are needed to prove that conclusively. Therefore, this variant has been classified as Likely Pathogenic.

Literature cited by the submitters: PubMed 16199547; PubMed 14534157; PubMed 23692823; PubMed 27779742.